The following is an entry in ClinVar:

NM_001002295.2(GATA3):c.122A>C (p.Tyr41Ser)

Gene: GATA3 (GATA binding protein 3; plus strand). Cytogenetic location: 10p14.
Variant type: single nucleotide variant.
Coding change: c.122A>C on transcript NM_001002295.2 (MANE Select); coding-DNA position 122, A replaced by C.
Protein change: p.Tyr41Ser; replaces tyrosine 41 with serine.
Molecular consequence: missense variant.
Genome position (GRCh38, 1-based): chr10:8,055,777, A>C. VCF-style: chr10-8055777-A-C. GRCh37 (hg19) VCF-style: chr10-8097740-A-C.
Other names: c.122A>C, p.Tyr41Ser (NM_002051.3); short protein forms Y41S.
Identifiers: ClinVar variation 2011858 (VCV002011858.4), dbSNP rs1436692613, ClinGen allele CA375965311.

ClinVar aggregate classification (germline): Uncertain significance (1 of 4 stars; one submission).

Submission:

Labcorp Genetics (formerly Invitae), Labcorp
Classification: Uncertain significance. Last evaluated: 2022-07-17. Review status: criteria provided, single submitter. Criteria: Invitae Variant Classification Sherloc (09022015). Collection method: clinical testing. Allele origin: germline.
Comment: This sequence change replaces tyrosine, which is neutral and polar, with serine, which is neutral and polar, at codon 41 of the GATA3 protein (p.Tyr41Ser). This variant is not present in population databases (gnomAD no frequency). This variant has not been reported in the literature in individuals affected with GATA3-related conditions. Algorithms developed to predict the effect of missense changes on protein structure and function are either unavailable or do not agree on the potential impact of this missense change (SIFT: "Tolerated"; PolyPhen-2: "Possibly Damaging"; Align-GVGD: "Class C0"). In summary, the available evidence is currently insufficient to determine the role of this variant in disease. Therefore, it has been classified as a Variant of Uncertain Significance.